The following is an entry in ClinVar:

ClinVar aggregate classification (germline): Benign/Likely benign. Review status: criteria provided, multiple submitters, no conflicts (2 of 4 stars). 5 submissions from 5 submitters: Benign (1); Likely benign (4). Last evaluated 2026-01-19.

Conditions:
Cardiomyopathy (CMYO). Also called: Cardiomyopathies. Identifiers: Orphanet 167848, MedGen C0878544, MONDO:0004994, HP:0001638. Inheritance: Various modes of inheritance.
Arrhythmogenic right ventricular cardiomyopathy (ARVD). Also called: Arrhythmogenic cardiomyopathy; Cardiomyopathy, ARVC; Arrhythmogenic right ventricular dysplasia; Arrhythmogenic Right Ventricular Cardiomyopathy (ARVC). Identifiers: Orphanet 247, MedGen C0349788, MeSH D019571, MONDO:0016587. Disease mechanism: loss of function. Inheritance: Various modes of inheritance.
Cardiovascular phenotype. Identifiers: MedGen CN230736.
Arrhythmogenic right ventricular dysplasia 10. Also called: Arrhythmogenic Right Ventricular Dysplasia/Cardiomyopathy10; ARRHYTHMOGENIC RIGHT VENTRICULAR DYSPLASIA, FAMILIAL, 10; Arrhythmogenic right ventricular dysplasia/cardiomyopathy, type 10. Identifiers: MedGen C1857777, MONDO:0012434, OMIM 610193.

Allele frequency attached by ClinVar (database versions not stated): TOPMed 0.00001.
gnomAD v4.1: 18 of 1,613,978 alleles (0.0011%); highest among the groups gnomAD compares: Admixed American, 0.0017%; no homozygotes.

Submissions (5):

Labcorp Genetics (formerly Invitae), Labcorp
Classification: Likely benign for Arrhythmogenic right ventricular dysplasia 10. Last evaluated: 2026-01-19. Review status: criteria provided, single submitter. Criteria: Invitae Variant Classification Sherloc (09022015). Collection method: clinical testing. Allele origin: germline.

All of Us Research Program, National Institutes of Health
Classification: Likely benign for Arrhythmogenic right ventricular cardiomyopathy. Last evaluated: 2024-07-20. Review status: criteria provided, single submitter. Criteria: ACMG Guidelines, 2015. Collection method: clinical testing. Allele origin: germline. Inheritance: Autosomal dominant inheritance. Observed: 3 variant alleles, 3 heterozygotes.
Comment: This study involves interpretation of variants in research participants for the purpose of population health screening. Participant phenotype was not available at the time of variant classification. Additional details can be found in publication PMID: 35346344, PMCID: PMC8962531

Ambry Genetics
Classification: Likely benign for Cardiovascular phenotype. Last evaluated: 2020-07-23. Review status: criteria provided, single submitter. Criteria: Ambry Variant Classification Scheme 2023. Collection method: clinical testing. Allele origin: germline.

Color Diagnostics, LLC DBA Color Health
Classification: Likely benign for Cardiomyopathy. Last evaluated: 2020-01-15. Review status: criteria provided, single submitter. Criteria: ACMG Guidelines, 2015. Collection method: clinical testing. Allele origin: germline.

GeneDx
Classification: Benign. Last evaluated: 2015-09-18. Review status: criteria provided, single submitter. Criteria: GeneDx Variant Classification Process June 2021. Collection method: clinical testing. Allele origin: germline. Affected: yes.

NM_001943.5(DSG2):c.3210G>T (p.Thr1070=)

Genes: DSG2 (desmoglein 2; plus strand), DSG2-AS1 (DSG2 antisense RNA 1; minus strand). Cytogenetic location: 18q12.1.
Variant type: single nucleotide variant.
Coding change: c.3210G>T on transcript NM_001943.5 (MANE Select); coding-DNA position 3210, G replaced by T.
Protein change: p.Thr1070=; no amino-acid change (threonine 1070 retained).
Molecular consequence: synonymous variant.
Genome position (GRCh38, 1-based): chr18:31,546,596, G>T. VCF-style: chr18-31546596-G-T. GRCh37 (hg19) VCF-style: chr18-29126559-G-T.
Identifiers: ClinVar variation 926019 (VCV000926019.16), dbSNP rs771104963, ClinGen allele CA503766842.